The following is an entry in ClinVar:

NM_004646.4(NPHS1):c.58+2T>C

Genes: KIRREL2 (kirre like nephrin family adhesion molecule 2; plus strand), NPHS1 (NPHS1 adhesion molecule, nephrin; minus strand). Cytogenetic location: 19q13.12.
Variant type: single nucleotide variant.
Coding change: c.58+2T>C on transcript NM_004646.4 (MANE Select); the canonical splice donor site of the intron after coding-DNA position 58, T replaced by C.
Molecular consequence: splice donor variant.
Genome position (GRCh38, 1-based): chr19:35,851,778, A>G on the plus strand (T>C on the coding strand, the complement: NPHS1 is on the minus strand). VCF-style: chr19-35851778-A-G. GRCh37 (hg19) VCF-style: chr19-36342680-A-G.
Identifiers: ClinVar variation 847759 (VCV000847759.8), dbSNP rs1973271240, ClinGen allele CA405412535.

ClinVar aggregate classification (germline): Likely pathogenic (1 of 4 stars; one submission).

Submission:

Labcorp Genetics (formerly Invitae), Labcorp
Classification: Likely pathogenic. Last evaluated: 2019-10-11. Review status: criteria provided, single submitter. Criteria: Invitae Variant Classification Sherloc (09022015). Collection method: clinical testing. Allele origin: germline.
Comment: This sequence change affects a donor splice site in intron 1 of the NPHS1 gene. It is expected to disrupt RNA splicing and likely results in an absent or disrupted protein product. This variant is not present in population databases (ExAC no frequency). This variant has not been reported in the literature in individuals with NPHS1-related conditions. Algorithms developed to predict the effect of sequence changes on RNA splicing suggest that this variant may disrupt the consensus splice site, but this prediction has not been confirmed by published transcriptional studies. Donor and acceptor splice site variants typically lead to a loss of protein function (PMID: 16199547), and loss-of-function variants in NPHS1 are known to be pathogenic (PMID: 11317351, 11854170, 12039988). In summary, the currently available evidence indicates that the variant is pathogenic, but additional data are needed to prove that conclusively. Therefore, this variant has been classified as Likely Pathogenic.

Literature cited by the submitters: PubMed 16199547; PubMed 11317351; PubMed 11854170; PubMed 12039988.